The following is an entry in ClinVar:

ClinVar aggregate classification (germline): Likely benign (0 of 4 stars; one submission).

Conditions:
PIK3C2B-related disorder. Also called: PIK3C2B-related condition.

Submission:

PreventionGenetics, part of Exact Sciences
Classification: Likely benign for PIK3C2B-related condition. Last evaluated: 2024-03-12. Review status: no assertion criteria provided. Collection method: clinical testing. Allele origin: germline.
Comment: This variant is classified as likely benign based on ACMG/AMP sequence variant interpretation guidelines (Richards et al. 2015 PMID: 25741868, with internal and published modifications).

NM_001377334.1(PIK3C2B):c.4827C>T (p.Ile1609=)

Gene: PIK3C2B (phosphatidylinositol-4-phosphate 3-kinase catalytic subunit type 2 beta; minus strand). Cytogenetic location: 1q32.1.
Variant type: single nucleotide variant.
Coding change: c.4827C>T on transcript NM_001377334.1 (MANE Select); coding-DNA position 4827, C replaced by T.
Protein change: p.Ile1609=; no amino-acid change (isoleucine 1609 retained).
Molecular consequence: synonymous variant.
Genome position (GRCh38, 1-based): chr1:204,424,930, G>A on the plus strand (C>T on the coding strand, the complement: PIK3C2B is on the minus strand). VCF-style: chr1-204424930-G-A. GRCh37 (hg19) VCF-style: chr1-204394058-G-A.
Other names: c.4743C>T, p.Ile1581= (NM_001377335.1); c.4827C>T, p.Ile1609= (NM_002646.4).
Identifiers: ClinVar variation 3356825 (VCV003356825.1).